The following is an entry in ClinVar:

NM_016366.3(CABP2):c.41A>G (p.Lys14Arg)

Gene: CABP2 (calcium binding protein 2; minus strand). Cytogenetic location: 11q13.2.
Variant type: single nucleotide variant.
Coding change: c.41A>G on transcript NM_016366.3 (MANE Select); coding-DNA position 41, A replaced by G.
Protein change: p.Lys14Arg; replaces lysine 14 with arginine.
Molecular consequence: missense variant.
Genome position (GRCh38, 1-based): chr11:67,523,286, T>C on the plus strand (A>G on the coding strand, the complement: CABP2 is on the minus strand). VCF-style: chr11-67523286-T-C. GRCh37 (hg19) VCF-style: chr11-67290757-T-C.
Other names: c.41A>G (NM_016366.2); c.55A>G, p.Arg19Gly (NM_001318496.2); short protein forms K14R, R19G.
Identifiers: ClinVar variation 1377874 (VCV001377874.7), dbSNP rs1392580370, ClinGen allele CA381519660.

ClinVar aggregate classification (germline): Uncertain significance. Review status: criteria provided, multiple submitters, no conflicts (2 of 4 stars). 2 submissions from 2 submitters: Uncertain significance (2). Last evaluated 2025-05-19.

Conditions:
Inborn genetic diseases. Identifiers: MedGen C0950123, MeSH D030342.

Allele frequency attached by ClinVar (database versions not stated): gnomAD exomes below 0.00001; gnomAD 0.00001; TOPMed 0.00001.
gnomAD v4.1: 2 of 1,554,586 alleles (0.00013%); highest among the groups gnomAD compares: Admixed American, 0.0039%; no homozygotes.

Submissions (2):

Ambry Genetics
Classification: Uncertain significance for Inborn genetic diseases. Last evaluated: 2025-05-19. Review status: criteria provided, single submitter. Criteria: Ambry Variant Classification Scheme 2023. Collection method: clinical testing. Allele origin: germline.

Labcorp Genetics (formerly Invitae), Labcorp
Classification: Uncertain significance. Last evaluated: 2025-01-06. Review status: criteria provided, single submitter. Criteria: Invitae Variant Classification Sherloc (09022015). Collection method: clinical testing. Allele origin: germline.
Comment: This sequence change replaces lysine, which is basic and polar, with arginine, which is basic and polar, at codon 14 of the CABP2 protein (p.Lys14Arg). The frequency data for this variant in the population databases is considered unreliable, as metrics indicate poor data quality at this position in the gnomAD database. This variant has not been reported in the literature in individuals affected with CABP2-related conditions. ClinVar contains an entry for this variant (Variation ID: 1377874). An algorithm developed to predict the effect of missense changes on protein structure and function (PolyPhen-2) suggests that this variant is likely to be tolerated. Algorithms developed to predict the effect of sequence changes on RNA splicing suggest that this variant may disrupt the consensus splice site. In summary, the available evidence is currently insufficient to determine the role of this variant in disease. Therefore, it has been classified as a Variant of Uncertain Significance.